The following is an entry in ClinVar:

NM_006031.6(PCNT):c.4142C>T (p.Ala1381Val)

Gene: PCNT (pericentrin; plus strand). Cytogenetic location: 21q22.3.
Variant type: single nucleotide variant.
Coding change: c.4142C>T on transcript NM_006031.6 (MANE Select); coding-DNA position 4142, C replaced by T.
Protein change: p.Ala1381Val; replaces alanine 1381 with valine.
Molecular consequence: missense variant.
Genome position (GRCh38, 1-based): chr21:46,391,302, C>T. VCF-style: chr21-46391302-C-T. GRCh37 (hg19) VCF-style: chr21-47811217-C-T.
Other names: c.3788C>T, p.Ala1263Val (NM_001315529.2); short protein forms A1381V, A1263V.
Identifiers: ClinVar variation 383714 (VCV000383714.23), dbSNP rs114383833, ClinGen allele CA10079547.

ClinVar aggregate classification (germline): Benign/Likely benign. Review status: criteria provided, multiple submitters, no conflicts (2 of 4 stars). 5 submissions from 5 submitters: Benign (1); Likely benign (3). 1 of the submissions does not count toward it. Last evaluated 2026-01-24.

Conditions:
PCNT-related disorder. Also called: PCNT-related condition.
Microcephalic osteodysplastic primordial dwarfism type II (MOPD2). Also called: OSTEODYSPLASTIC PRIMORDIAL DWARFISM, TYPE II; MOPD II; Microcephalic osteodysplastic primordial dwarfism with tooth abnormalities. Identifiers: Orphanet 2637, MedGen C0432246, MONDO:0008872, OMIM 210720.

Allele frequency attached by ClinVar (database versions not stated): gnomAD exomes 0.00054; ExAC 0.00133; 1000 Genomes Project 0.00160; 1000 Genomes Project 30x 0.00203; gnomAD 0.00204 and 0.00221; ESP Exome Variant Server 0.00217; TOPMed 0.00223.
gnomAD v4.1: 649 of 1,572,240 alleles (0.041%); highest among the groups gnomAD compares: African/African-American, 0.74%; 2 homozygotes.

Submissions (5):

Labcorp Genetics (formerly Invitae), Labcorp
Classification: Benign. Last evaluated: 2026-01-24. Review status: criteria provided, single submitter. Criteria: Invitae Variant Classification Sherloc (09022015). Collection method: clinical testing. Allele origin: germline.

ARUP Laboratories, Molecular Genetics and Genomics, ARUP Laboratories
Classification: Likely benign for Microcephalic osteodysplastic primordial dwarfism type II. Last evaluated: 2021-01-29. Review status: criteria provided, single submitter. Criteria: ARUP Molecular Germline Variant Investigation Process 2021. Collection method: clinical testing. Allele origin: germline.

Illumina Laboratory Services, Illumina
Classification: Likely benign for Microcephalic osteodysplastic primordial dwarfism type II. Last evaluated: 2018-01-13. Review status: criteria provided, single submitter. Criteria: ICSL Variant Classification Criteria 13 December 2019. Collection method: clinical testing. Allele origin: germline.
Comment: This variant was observed in the ICSL laboratory as part of a predisposition screen in an ostensibly healthy population. It had not been previously curated by ICSL or reported in the Human Gene Mutation Database (HGMD: prior to June 1st, 2018), and was therefore a candidate for classification through an automated scoring system. Utilizing variant allele frequency, disease prevalence and penetrance estimates, and inheritance mode, an automated score was calculated to assess if this variant is too frequent to cause the disease. Based on the score and internal cut-off values, a variant classified as likely benign is not then subjected to further curation. The score for this variant resulted in a classification of likely benign for this disease.

GeneDx
Classification: Likely benign. Last evaluated: 2016-02-19. Review status: criteria provided, single submitter. Criteria: GeneDx Variant Classification (06012015). Collection method: clinical testing. Allele origin: germline. Affected: yes.
Comment: This variant is considered likely benign or benign based on one or more of the following criteria: it is a conservative change, it occurs at a poorly conserved position in the protein, it is predicted to be benign by multiple in silico algorithms, and/or has population frequency not consistent with disease.

PreventionGenetics, part of Exact Sciences
Classification: Benign for PCNT-related condition. Last evaluated: 2019-09-25. Review status: no assertion criteria provided. Collection method: clinical testing. Allele origin: germline. Not counted in ClinVar's aggregate classification.
Comment: This variant is classified as benign based on ACMG/AMP sequence variant interpretation guidelines (Richards et al. 2015 PMID: 25741868, with internal and published modifications).